The following is an entry in ClinVar:

NM_004369.4(COL6A3):c.3565C>T (p.Pro1189Ser)

Gene: COL6A3 (collagen type VI alpha 3 chain; minus strand). Cytogenetic location: 2q37.3.
Variant type: single nucleotide variant.
Coding change: c.3565C>T on transcript NM_004369.4 (MANE Select); coding-DNA position 3565, C replaced by T.
Protein change: p.Pro1189Ser; replaces proline 1189 with serine.
Molecular consequence: missense variant.
Genome position (GRCh38, 1-based): chr2:237,374,526, G>A on the plus strand (C>T on the coding strand, the complement: COL6A3 is on the minus strand). VCF-style: chr2-237374526-G-A. GRCh37 (hg19) VCF-style: chr2-238283169-G-A.
Other names: c.2344C>T, p.Pro782Ser (NM_057164.5); c.2947C>T, p.Pro983Ser (NM_057165.5, NM_057167.4); c.1744C>T, p.Pro582Ser (NM_057166.5); short protein forms P582S, P782S, P983S, P1189S.
Identifiers: ClinVar variation 2038475 (VCV002038475.4), dbSNP rs2469904932, ClinGen allele CA351202010.
Genomic context (GRCh38, chr2:237,374,526, plus strand): 5'-TGAGCTGGGTCACCCTCTCAGAGATGACCTGTTGGACGGTCCCCAGCTGGCGAAAGGTGG[G>A]AATGGCCACGGCAAAGTCCGGGATGAAGGAGATGGTCTGCATCTCTGTGATGTCAGCGTT-3'
Protein context (NP_004360.2, residues 1179-1199): SFIPDFAVAI[Pro1189Ser]TFRQLGTVQQ

ClinVar aggregate classification (germline): Uncertain significance (1 of 4 stars; one submission).

Conditions:
Bethlem myopathy 1A. Also called: MYOPATHY, BENIGN CONGENITAL, WITH CONTRACTURES; Bethlem Muscular Dystrophy; Bethlem myopathy 1. Identifiers: Orphanet 610, MedGen CN029274, MONDO:0024530, OMIM 158810.

Allele frequency attached by ClinVar (database versions not stated): gnomAD exomes below 0.00001.

Submission:

Labcorp Genetics (formerly Invitae), Labcorp
Classification: Uncertain significance for Bethlem myopathy 1A. Last evaluated: 2023-04-05. Review status: criteria provided, single submitter. Criteria: Invitae Variant Classification Sherloc (09022015). Collection method: clinical testing. Allele origin: germline.
Comment: This variant has not been reported in the literature in individuals affected with COL6A3-related conditions. In summary, the available evidence is currently insufficient to determine the role of this variant in disease. Therefore, it has been classified as a Variant of Uncertain Significance. Advanced modeling of protein sequence and biophysical properties (such as structural, functional, and spatial information, amino acid conservation, physicochemical variation, residue mobility, and thermodynamic stability) performed at Invitae indicates that this missense variant is not expected to disrupt COL6A3 protein function. ClinVar contains an entry for this variant (Variation ID: 2038475). This variant is not present in population databases (gnomAD no frequency). This sequence change replaces proline, which is neutral and non-polar, with serine, which is neutral and polar, at codon 1189 of the COL6A3 protein (p.Pro1189Ser).